The following is an entry in ClinVar:

NM_001165963.4(SCN1A):c.1572A>T (p.Glu524Asp)

Gene: SCN1A (sodium voltage-gated channel alpha subunit 1; minus strand). Cytogenetic location: 2q24.3.
Variant type: single nucleotide variant.
Coding change: c.1572A>T on transcript NM_001165963.4 (MANE Select); coding-DNA position 1572, A replaced by T.
Protein change: p.Glu524Asp; replaces glutamic acid 524 with aspartic acid.
Molecular consequence: missense variant. On other transcripts: 5 prime UTR variant (1), non-coding transcript variant (1).
Genome position (GRCh38, 1-based): chr2:166,045,133, T>A on the plus strand (A>T on the coding strand, the complement: SCN1A is on the minus strand). VCF-style: chr2-166045133-T-A. GRCh37 (hg19) VCF-style: chr2-166901643-T-A.
Other names: c.1572A>T, p.Glu524Asp (NM_001165964.3, NM_001202435.3, NM_001353948.2 and 7 more transcripts); c.1569A>T, p.Glu523Asp (NM_001353954.2, NM_001353955.2, NM_001353960.2); c.-854A>T (NM_001353961.2); short protein forms E523D, E524D.
Identifiers: ClinVar variation 2429177 (VCV002429177.3), dbSNP rs2468166335, ClinGen allele CA349069307.

ClinVar aggregate classification (germline): Uncertain significance (1 of 4 stars; one submission).

Submission:

Women's Health and Genetics/Laboratory Corporation of America, LabCorp
Classification: Uncertain significance. Last evaluated: 2023-01-31. Review status: criteria provided, single submitter. Criteria: LabCorp Variant Classification Summary - May 2015. Collection method: clinical testing. Allele origin: germline.
Comment: Variant summary: SCN1A c.1572A>T (p.Glu524Asp) results in a conservative amino acid change in the encoded protein sequence. Three of five in-silico tools predict a damaging effect of the variant on protein function. The variant was absent in 251426 control chromosomes. The available data on variant occurrences in the general population are insufficient to allow any conclusion about variant significance. To our knowledge, no occurrence of c.1572A>T in individuals affected with SCN1A-Related Seizure Disorder and no experimental evidence demonstrating its impact on protein function have been reported. No clinical diagnostic laboratories have submitted clinical-significance assessments for this variant to ClinVar after 2014. Based on the evidence outlined above, the variant was classified as uncertain significance.